The following is an entry in ClinVar:

ClinVar aggregate classification (germline): Benign/Likely benign. Review status: criteria provided, multiple submitters, no conflicts (2 of 4 stars). 6 submissions from 6 submitters: Benign (2); Likely benign (4). Last evaluated 2025-12-05.

Conditions:
Inborn genetic diseases. Identifiers: MedGen C0950123, MeSH D030342.
Intellectual developmental disorder, X-linked 21. Also called: Mental retardation, X-linked 21/34; Intellectual disability, X-linked 21; MENTAL RETARDATION, X-LINKED 34. Identifiers: Orphanet 777, MedGen C5551510, MONDO:0010256, OMIM 300143.

Allele frequency attached by ClinVar (database versions not stated): TOPMed 0.00045; ESP Exome Variant Server 0.00066; gnomAD 0.00107 and 0.00111; gnomAD exomes 0.00110 and 0.00138; ExAC 0.00124.
gnomAD v4.1: 1,299 of 1,206,677 alleles (0.11%); highest among the groups gnomAD compares: Non-Finnish European, 0.088%; 2 homozygotes.

Submissions (6):

Labcorp Genetics (formerly Invitae), Labcorp
Classification: Benign. Last evaluated: 2025-12-05. Review status: criteria provided, single submitter. Criteria: Invitae Variant Classification Sherloc (09022015). Collection method: clinical testing. Allele origin: germline.

GeneDx
Classification: Likely benign. Last evaluated: 2020-11-11. Review status: criteria provided, single submitter. Criteria: GeneDx Variant Classification Process June 2021. Collection method: clinical testing. Allele origin: germline. Affected: yes.

Genetic Services Laboratory, University of Chicago
Classification: Likely benign. Last evaluated: 2018-12-26. Review status: criteria provided, single submitter. Criteria: ACMG Guidelines, 2015. Collection method: clinical testing. Allele origin: germline. Affected: no.

Illumina Laboratory Services, Illumina
Classification: Benign for Intellectual developmental disorder, X-linked 21. Last evaluated: 2018-01-13. Review status: criteria provided, single submitter. Criteria: ICSL Variant Classification Criteria 13 December 2019. Collection method: clinical testing. Allele origin: germline.
Comment: This variant was observed in the ICSL laboratory as part of a predisposition screen in an ostensibly healthy population. It had not been previously curated by ICSL or reported in the Human Gene Mutation Database (HGMD: prior to June 1st, 2018), and was therefore a candidate for classification through an automated scoring system. Utilizing variant allele frequency, disease prevalence and penetrance estimates, and inheritance mode, an automated score was calculated to assess if this variant is too frequent to cause the disease. Based on the score and internal cut-off values, a variant classified as benign is not then subjected to further curation. The score for this variant resulted in a classification of benign for this disease.

Ambry Genetics
Classification: Likely benign for Inborn genetic diseases. Last evaluated: 2014-06-23. Review status: criteria provided, single submitter. Criteria: Ambry Variant Classification Scheme 2023. Collection method: clinical testing. Allele origin: germline.

Breakthrough Genomics
Classification: Likely benign. Review status: criteria provided, single submitter. Criteria: ACMG Guidelines, 2015. Collection method: not provided. Allele origin: germline. Inheritance: X-linked inheritance. Affected: yes.

NM_014271.4(IL1RAPL1):c.2067C>G (p.Thr689=)

Gene: IL1RAPL1 (interleukin 1 receptor accessory protein like 1; plus strand). Cytogenetic location: Xp21.2.
Variant type: single nucleotide variant.
Coding change: c.2067C>G on transcript NM_014271.4 (MANE Select); coding-DNA position 2067, C replaced by G.
Protein change: p.Thr689=; no amino-acid change (threonine 689 retained).
Molecular consequence: synonymous variant.
Genome position (GRCh38, 1-based): chrX:29,955,796, C>G. VCF-style: chrX-29955796-C-G. GRCh37 (hg19) VCF-style: chrX-29973913-C-G.
Identifiers: ClinVar variation 211182 (VCV000211182.22), dbSNP rs140330609, ClinGen allele CA209098.
Genomic context (GRCh38, chrX:29,955,796, plus strand): 5'-GCAGAATCCAGATGAGGCCCACACAAACAGTGCCATCCTGCCGCTGTTGCCAAGGGAGAC[C>G]AGTATATCCAGTGTGATATGGTGACAGAAAAGCAAGGGACATCCCGTCCCTGGGAGGTTG-3'
Protein context (NP_055086.1, residues 679-696): SAILPLLPRE[Thr689=]SISSVIW